The following is an entry in ClinVar:

ClinVar aggregate classification (germline): Uncertain significance (0 of 4 stars; one submission).

Submission:

Department of Pathology and Laboratory Medicine, Sinai Health System
Classification: Uncertain significance. Review status: no assertion criteria provided. Collection method: clinical testing. Allele origin: unknown. Affected: yes. Study: The Canadian Open Genetics Repository (COGR).
Comment: The MSTO1 p.Ser206Ala variant was not identified in the literature nor was it identified in dbSNP, ClinVar, LOVD 3.0 or in the following control databases: the 1000 Genomes Project, the NHLBI GO Exome Sequencing Project, the Exome Aggregation Consortium (August 8th 2016), or the Genome Aggregation Database (Feb 27, 2017).The p.Ser206Ala residue is not conserved in mammals and four out of five computational analyses (PolyPhen-2, SIFT, AlignGVGD, BLOSUM, MutationTaster) do not suggest a high likelihood of impact to the protein; however, this information is not predictive enough to rule out pathogenicity. The variant occurs outside of the splicing consensus sequence and in silico or computational prediction software programs (SpliceSiteFinder, MaxEntScan, NNSPLICE, GeneSplicer) do not predict a difference in splicing at the variant location. In summary, based on the above information the clinical significance of this variant cannot be determined with certainty at this time. This variant is classified as a variant of uncertain significance.

NM_018116.4(MSTO1):c.1159T>G (p.Ser387Ala)

Gene: MSTO1 (misato mitochondrial distribution and morphology regulator 1; plus strand). Cytogenetic location: 1q22.
Variant type: single nucleotide variant.
Coding change: c.1159T>G on transcript NM_018116.4 (MANE Select); coding-DNA position 1159, T replaced by G.
Protein change: p.Ser387Ala; replaces serine 387 with alanine.
Molecular consequence: missense variant. On other transcripts: non-coding transcript variant (6).
Genome position (GRCh38, 1-based): chr1:155,613,109, T>G. VCF-style: chr1-155613109-T-G. GRCh37 (hg19) VCF-style: chr1-155582900-T-G.
Other names: c.1159T>G, p.Ser387Ala (NM_001256532.1, NM_001256533.1, NM_001350772.1 and 3 more transcripts); c.994T>G, p.Ser332Ala (NM_001350776.1); c.628T>G, p.Ser210Ala (NM_001350777.1, NM_001350778.1, NM_001350779.1); c.625T>G, p.Ser209Ala (NM_001350780.1, NM_001350781.1, NM_001350782.1 and 3 more transcripts); c.616T>G, p.Ser206Ala (NM_001350784.1, NM_001350785.1, NM_001350787.1 and 1 more transcripts); short protein forms S206A, S209A, S210A, S332A, S387A.
Identifiers: ClinVar variation 1048844 (VCV001048844.1), dbSNP rs2148994363, ClinGen allele CA342759751.